The following is an entry in ClinVar:

NM_003659.4(AGPS):c.*865A>G

Gene: AGPS (alkylglycerone phosphate synthase; plus strand). Cytogenetic location: 2q31.2.
Variant type: single nucleotide variant.
Coding change: c.*865A>G on transcript NM_003659.4 (MANE Select); 865 bases downstream of the stop codon, A replaced by G.
Molecular consequence: 3 prime UTR variant.
Genome position (GRCh38, 1-based): chr2:177,539,060, A>G. VCF-style: chr2-177539060-A-G. GRCh37 (hg19) VCF-style: chr2-178403788-A-G.
Identifiers: ClinVar variation 332538 (VCV000332538.5), dbSNP rs2293470, ClinGen allele CA10612889.
Genomic context (GRCh38, chr2:177,539,060, plus strand): 5'-AATGTTTCTGATTTCACATTCTTGTTGCTGAAATGCAGAAGAAACAGCTACAGCAAGAGC[A>G]GAAGGAAAACTCTTAGACTTAATGTCTCCAATTGCAAGAATTGTTTCACTAAAGAAACAG-3'

ClinVar aggregate classification (germline): Benign (1 of 4 stars; one submission).

Conditions:
Rhizomelic chondrodysplasia punctata type 3 (RCDP3). Also called: ALKYLDIHYDROXYACETONEPHOSPHATE SYNTHASE DEFICIENCY; Alkylglycerone Phosphate Synthase (AGPS) deficiency. Identifiers: Orphanet 177, Orphanet 309803, MedGen C1838612, MONDO:0010823, OMIM 600121. Disease mechanism: loss of function.

Allele frequency attached by ClinVar (database versions not stated): gnomAD 0.00066 and 0.00113; TOPMed 0.00114; 1000 Genomes Project 30x 0.00437; 1000 Genomes Project 0.00479.

Submission:

Illumina Laboratory Services, Illumina
Classification: Benign for Rhizomelic chondrodysplasia punctata type 3. Last evaluated: 2018-01-13. Review status: criteria provided, single submitter. Criteria: ICSL Variant Classification Criteria 13 December 2019. Collection method: clinical testing. Allele origin: germline.
Comment: This variant was observed in the ICSL laboratory as part of a predisposition screen in an ostensibly healthy population. It had not been previously curated by ICSL or reported in the Human Gene Mutation Database (HGMD: prior to June 1st, 2018), and was therefore a candidate for classification through an automated scoring system. Utilizing variant allele frequency, disease prevalence and penetrance estimates, and inheritance mode, an automated score was calculated to assess if this variant is too frequent to cause the disease. Based on the score and internal cut-off values, a variant classified as benign is not then subjected to further curation. The score for this variant resulted in a classification of benign for this disease.